The following is an entry in ClinVar:

NM_203290.4(POLR1C):c.229C>T (p.Arg77Ter)

Gene: POLR1C (RNA polymerase I and III subunit C; plus strand). Cytogenetic location: 6p21.1.
Variant type: single nucleotide variant.
Coding change: c.229C>T on transcript NM_203290.4 (MANE Select); coding-DNA position 229, C replaced by T.
Protein change: p.Arg77Ter; replaces arginine 77 with a stop codon.
Molecular consequence: nonsense.
Genome position (GRCh38, 1-based): chr6:43,519,420, C>T. VCF-style: chr6-43519420-C-T. GRCh37 (hg19) VCF-style: chr6-43487158-C-T.
Other names: c.229C>T, p.Arg77Ter (NM_001318876.2, NM_001363658.2); short protein forms R77*.
Identifiers: ClinVar variation 356873 (VCV000356873.12), dbSNP rs886061427, ClinGen allele CA10623986.
Genomic context (GRCh38, chr6:43,519,420, plus strand): 5'-GATGAAAACTCACTGGAGTTTGACATGGTGGGAATTGACGCAGCCATTGCCAATGCTTTT[C>T]GACGAATTCTGCTAGCTGAGGTATTGGCAGGCATGGTGACAAGGCTGGAGTTGCTTTGGG-3'

ClinVar aggregate classification (germline): Pathogenic. Review status: criteria provided, multiple submitters, no conflicts (2 of 4 stars). 2 submissions from 2 submitters: Pathogenic (2). Last evaluated 2025-06-23.

Allele frequency attached by ClinVar (database versions not stated): TOPMed below 0.00001; gnomAD 0.00001; gnomAD exomes 0.00001.
gnomAD v4.1: 18 of 1,612,976 alleles (0.0011%); highest among the groups gnomAD compares: East Asian, 0.0045%; no homozygotes.

Submissions (2):

Labcorp Genetics (formerly Invitae), Labcorp
Classification: Pathogenic. Last evaluated: 2025-06-23. Review status: criteria provided, single submitter. Criteria: Invitae Variant Classification Sherloc (09022015). Collection method: clinical testing. Allele origin: germline.
Comment: This sequence change creates a premature translational stop signal (p.Arg77*) in the POLR1C gene. It is expected to result in an absent or disrupted protein product. Loss-of-function variants in POLR1C are known to be pathogenic (PMID: 21131976, 26151409, 32042905). This variant is not present in population databases (gnomAD no frequency). This variant has not been reported in the literature in individuals affected with POLR1C-related conditions. ClinVar contains an entry for this variant (Variation ID: 356873). For these reasons, this variant has been classified as Pathogenic.

Revvity Omics, Revvity
Classification: Pathogenic. Last evaluated: 2020-06-29. Review status: criteria provided, single submitter. Criteria: ACMG Guidelines, 2015. Collection method: clinical testing. Allele origin: germline.

Literature cited by the submitters: PubMed 21131976 (cited by Labcorp Genetics (formerly Invitae), Labcorp); PubMed 26151409 (cited by Labcorp Genetics (formerly Invitae), Labcorp); PubMed 32042905 (cited by Labcorp Genetics (formerly Invitae), Labcorp).